The following is an entry in ClinVar:

NM_001142800.2(EYS):c.5087A>C (p.Glu1696Ala)

Gene: EYS (EGF-like photoreceptor maintenance factor; minus strand). Cytogenetic location: 6q12.
Variant type: single nucleotide variant.
Coding change: c.5087A>C on transcript NM_001142800.2 (MANE Select); coding-DNA position 5087, A replaced by C.
Protein change: p.Glu1696Ala; replaces glutamic acid 1696 with alanine.
Molecular consequence: missense variant.
Genome position (GRCh38, 1-based): chr6:64,590,780, T>G on the plus strand (A>C on the coding strand, the complement: EYS is on the minus strand). VCF-style: chr6-64590780-T-G. GRCh37 (hg19) VCF-style: chr6-65300673-T-G.
Other names: c.5087A>C, p.Glu1696Ala (NM_001292009.2); short protein forms E1696A.
Identifiers: ClinVar variation 943042 (VCV000943042.10), dbSNP rs1766380689, ClinGen allele CA364781885.

ClinVar aggregate classification (germline): Uncertain significance. Review status: criteria provided, single submitter (1 of 4 stars). 2 submissions from 2 submitters: Uncertain significance (1). 1 of the submissions does not count toward it. Last evaluated 2022-08-23.

Conditions:
Retinitis pigmentosa 25 (RP25). Identifiers: Orphanet 791, MedGen C1864446, MONDO:0011272, OMIM 602772.

Submissions (2):

Labcorp Genetics (formerly Invitae), Labcorp
Classification: Uncertain significance. Last evaluated: 2022-08-23. Review status: criteria provided, single submitter. Criteria: Invitae Variant Classification Sherloc (09022015). Collection method: clinical testing. Allele origin: germline.
Comment: In summary, the available evidence is currently insufficient to determine the role of this variant in disease. Therefore, it has been classified as a Variant of Uncertain Significance. Algorithms developed to predict the effect of missense changes on protein structure and function (SIFT, PolyPhen-2, Align-GVGD) all suggest that this variant is likely to be tolerated. ClinVar contains an entry for this variant (Variation ID: 943042). This variant has not been reported in the literature in individuals affected with EYS-related conditions. This variant is not present in population databases (gnomAD no frequency). This sequence change replaces glutamic acid, which is acidic and polar, with alanine, which is neutral and non-polar, at codon 1696 of the EYS protein (p.Glu1696Ala).

Natera, Inc.
Classification: Uncertain significance for Retinitis pigmentosa type 25. Last evaluated: 2021-01-24. Review status: no assertion criteria provided. Collection method: clinical testing. Allele origin: germline. Not counted in ClinVar's aggregate classification.